The following is an entry in ClinVar:

ClinVar aggregate classification (germline): Uncertain significance (1 of 4 stars; one submission).

Conditions:
Sphingolipid activator protein 1 deficiency. Also called: Metachromatic leukodystrophy due to saposin B deficiency; METACHROMATIC LEUKODYSTROPHY DUE TO CEREBROSIDE SULFATASE ACTIVATOR DEFICIENCY; Saposin B Deficiency. Identifiers: Orphanet 512, MedGen C0268262, MONDO:0009590, OMIM 249900.

Allele frequency attached by ClinVar (database versions not stated): gnomAD exomes 0.00001 and 0.00005; gnomAD 0.00004; TOPMed 0.00004; ExAC 0.00007; ESP Exome Variant Server 0.00008.
gnomAD v4.1: 21 of 1,613,896 alleles (0.0013%); highest among the groups gnomAD compares: Admixed American, 0.02%; no homozygotes.

Submission:

Labcorp Genetics (formerly Invitae), Labcorp
Classification: Uncertain significance for Sphingolipid activator protein 1 deficiency. Last evaluated: 2024-12-09. Review status: criteria provided, single submitter. Criteria: Invitae Variant Classification Sherloc (09022015). Collection method: clinical testing. Allele origin: germline.
Comment: This sequence change replaces alanine, which is neutral and non-polar, with threonine, which is neutral and polar, at codon 72 of the PSAP protein (p.Ala72Thr). This variant is present in population databases (rs150701404, gnomAD 0.03%). This variant has not been reported in the literature in individuals affected with PSAP-related conditions. ClinVar contains an entry for this variant (Variation ID: 1429424). Invitae Evidence Modeling of protein sequence and biophysical properties (such as structural, functional, and spatial information, amino acid conservation, physicochemical variation, residue mobility, and thermodynamic stability) indicates that this missense variant is not expected to disrupt PSAP protein function with a negative predictive value of 95%. In summary, the available evidence is currently insufficient to determine the role of this variant in disease. Therefore, it has been classified as a Variant of Uncertain Significance.

NM_002778.4(PSAP):c.214G>A (p.Ala72Thr)

Gene: PSAP (prosaposin; minus strand). Cytogenetic location: 10q22.1.
Variant type: single nucleotide variant.
Coding change: c.214G>A on transcript NM_002778.4 (MANE Select); coding-DNA position 214, G replaced by A.
Protein change: p.Ala72Thr; replaces alanine 72 with threonine.
Molecular consequence: missense variant.
Genome position (GRCh38, 1-based): chr10:71,831,881, C>T on the plus strand (G>A on the coding strand, the complement: PSAP is on the minus strand). VCF-style: chr10-71831881-C-T. GRCh37 (hg19) VCF-style: chr10-73591638-C-T.
Other names: c.214G>A, p.Ala72Thr (NM_001042465.3, NM_001042466.3); short protein forms A72T.
Identifiers: ClinVar variation 1429424 (VCV001429424.6), dbSNP rs150701404, ClinGen allele CA5547845.